The following is an entry in ClinVar:

NM_017635.5(KMT5B):c.725del (p.Leu242fs)

Gene: KMT5B (lysine methyltransferase 5B; minus strand). Cytogenetic location: 11q13.2.
Variant type: Deletion.
Coding change: c.725del on transcript NM_017635.5 (MANE Select); coding-DNA position 725, one base deleted (T; older notation c.725delT).
Protein change: p.Leu242fs; shifts the reading frame from leucine 242.
Molecular consequence: frameshift variant. On other transcripts: non-coding transcript variant (2).
Genome position (GRCh38, 1-based): chr11:68,171,638, A deleted on the plus strand (T on the coding strand, the reverse complement: KMT5B is on the minus strand). VCF-style (leftmost placement, unchanged base first): chr11-68171637-TA-T. GRCh37 (hg19) VCF-style: chr11-67939104-TA-T.
Other names: c.725del (NM_017635.3); c.209del, p.Leu70fs (NM_001300907.1, NM_001369424.1, NM_001369428.1 and 5 more transcripts); c.5del, p.Leu2fs (NM_001300908.2); c.656del, p.Leu219fs (NM_001300909.2); c.725del, p.Leu242fs (NM_001363566.2, NM_001369426.1, NM_001369427.1 and 1 more transcripts); c.512del, p.Leu171fs (NM_001369425.1); short protein forms L70fs, L2fs, L171fs, L219fs, L242fs.
Identifiers: ClinVar variation 446521 (VCV000446521.4), dbSNP rs1555028154, ClinGen allele CA658658076.
Genomic context (GRCh38, chr11:68,171,637, plus strand): 5'-TTGAGCACAGTTTTTCCTTGTGGAGTACATGACACTGAAGTCGTTTTCTCCATGTCTAAG[TA>T]GCATGTTCTCCTCAATTTCTGAAAGTTCGGCAATACAACCCACCAGTAATTCTATTTTGT-3'

ClinVar aggregate classification (germline): Pathogenic. Review status: criteria provided, multiple submitters, no conflicts (2 of 4 stars). 3 submissions from 3 submitters: Pathogenic (2). 1 of the submissions does not count toward it. Last evaluated 2024-07-12.

Conditions:
Intellectual developmental disorder, autosomal dominant 51. Also called: MENTAL RETARDATION, AUTOSOMAL DOMINANT 51; Intellectual disability, autosomal dominant 51. Identifiers: Orphanet 684226, MedGen C4540474, MONDO:0030917, OMIM 617788.

Submissions (3):

GeneDx
Classification: Pathogenic. Last evaluated: 2024-07-12. Review status: criteria provided, single submitter. Criteria: GeneDx Variant Classification Process June 2021. Collection method: clinical testing. Allele origin: germline. Affected: yes.
Comment: Apparently de novo variant in a patient with autism (PMID: 28191889); Frameshift variant predicted to result in protein truncation or nonsense mediated decay in a gene for which loss of function is a known mechanism of disease; Not observed at significant frequency in large population cohorts (gnomAD); This variant is associated with the following publications: (PMID: 33004838, 28191889)

Clinical Genetics and Genomics, Karolinska University Hospital
Classification: Pathogenic. Last evaluated: 2019-09-13. Review status: criteria provided, single submitter. Criteria: ACMG Guidelines, 2015. Collection method: clinical testing. Allele origin: germline. Affected: yes. Observed: 1 variant allele.

OMIM
Classification: Pathogenic for INTELLECTUAL DEVELOPMENTAL DISORDER, AUTOSOMAL DOMINANT 51. Last evaluated: 2022-04-27. Review status: no assertion criteria provided. Collection method: literature only. Allele origin: germline. Not counted in ClinVar's aggregate classification.

Literature cited by the submitters: PubMed 28191889 (cited by OMIM).